The following is an entry in ClinVar:

NM_001165963.4(SCN1A):c.2214G>A (p.Trp738Ter)

Gene: SCN1A (sodium voltage-gated channel alpha subunit 1; minus strand). Cytogenetic location: 2q24.3.
Variant type: single nucleotide variant.
Coding change: c.2214G>A on transcript NM_001165963.4 (MANE Select); coding-DNA position 2214, G replaced by A.
Protein change: p.Trp738Ter; replaces tryptophan 738 with a stop codon.
Molecular consequence: nonsense. On other transcripts: 5 prime UTR variant (1), non-coding transcript variant (1).
Genome position (GRCh38, 1-based): chr2:166,041,432, C>T on the plus strand (G>A on the coding strand, the complement: SCN1A is on the minus strand). VCF-style: chr2-166041432-C-T. GRCh37 (hg19) VCF-style: chr2-166897942-C-T.
Other names: c.2130G>A, p.Trp710Ter (NM_001165964.3, NM_001353957.2, NM_001353958.2); c.2214G>A, p.Trp738Ter (NM_001202435.3, NM_001353948.2); c.2181G>A, p.Trp727Ter (NM_001353949.2, NM_001353950.2, NM_001353951.2 and 2 more transcripts); c.2178G>A, p.Trp726Ter (NM_001353954.2, NM_001353955.2); c.2127G>A, p.Trp709Ter (NM_001353960.2); c.-245G>A (NM_001353961.2); short protein forms W727*, W738*, W726*, W710*, W709*.
Identifiers: ClinVar variation 190225 (VCV000190225.4), dbSNP rs786205214, ClinGen allele CA274764.

ClinVar aggregate classification (germline): Pathogenic. Review status: criteria provided, multiple submitters, no conflicts (2 of 4 stars). 3 submissions from 3 submitters: Pathogenic (2). 1 of the submissions does not count toward it. Last evaluated 2022-04-05.

Conditions:
Generalized epilepsy with febrile seizures plus, type 2 (GEFSP2). Also called: GEFS+, TYPE 2. Identifiers: Orphanet 36387, MedGen C1858673, MONDO:0011461, OMIM 604403.
Severe myoclonic epilepsy in infancy (DRVT). Also called: Epileptic encephalopathy, early infantile, 6 (Dravet syndrome); SEVERE MYOCLONIC EPILEPSY OF INFANCY; DEVELOPMENTAL AND EPILEPTIC ENCEPHALOPATHY 6A; Severe Myoclonic Epilepsy in Infancy (SMEI); Dravet syndrome. Identifiers: Orphanet 33069, MedGen C0751122, MONDO:0100135, OMIM 607208.

Submissions (3):

MGZ Medical Genetics Center
Classification: Pathogenic for Severe myoclonic epilepsy in infancy. Last evaluated: 2022-04-05. Review status: criteria provided, single submitter. Criteria: ACMG Guidelines, 2015. Collection method: clinical testing. Allele origin: germline. Affected: yes. Observed: 1 variant allele.
Comment: ACMG criteria applied: PVS1, PS4_SUP, PM2_SUP

GeneDx
Classification: Pathogenic. Last evaluated: 2017-02-01. Review status: criteria provided, single submitter. Criteria: GeneDx Variant Classification (06012015). Collection method: clinical testing. Allele origin: germline. Affected: yes.
Comment: The W738X nonsense variant in the SCN1A gene has been reported previously as a de novo change in an individual with Dravet syndrome (Kwong et al., 2012). This pathogenic variant is predicted to cause loss of normal protein function either through protein truncation or nonsense-mediated mRNA decay. The W738X variant is not observed in large population cohorts (Lek et al., 2016; 1000 Genomes Consortium et al., 2015; Exome Variant Server).

Mendelics
Classification: Pathogenic for Generalized epilepsy with febrile seizures plus, type 2. Last evaluated: 2014-12-23. Review status: no assertion criteria provided. Collection method: clinical testing. Allele origin: de novo. Affected: yes. Not counted in ClinVar's aggregate classification.

Literature cited by the submitters: PubMed 22848613 (cited by Mendelics); PubMed 20301494 (cited by Mendelics).